The following is an entry in ClinVar:

ClinVar aggregate classification (germline): Uncertain significance (1 of 4 stars; one submission).

Allele frequency attached by ClinVar (database versions not stated): gnomAD exomes below 0.00001.

Submission:

Labcorp Genetics (formerly Invitae), Labcorp
Classification: Uncertain significance. Last evaluated: 2022-07-06. Review status: criteria provided, single submitter. Criteria: Invitae Variant Classification Sherloc (09022015). Collection method: clinical testing. Allele origin: germline.
Comment: This sequence change replaces serine, which is neutral and polar, with leucine, which is neutral and non-polar, at codon 499 of the KIZ protein (p.Ser499Leu). This variant is not present in population databases (gnomAD no frequency). This variant has not been reported in the literature in individuals affected with KIZ-related conditions. Experimental studies and prediction algorithms are not available or were not evaluated, and the functional significance of this variant is currently unknown. Algorithms developed to predict the effect of sequence changes on RNA splicing suggest that this variant may disrupt the consensus splice site. In summary, the available evidence is currently insufficient to determine the role of this variant in disease. Therefore, it has been classified as a Variant of Uncertain Significance.

NM_018474.6(KIZ):c.1496C>T (p.Ser499Leu)

Genes: KIZ (kizuna centrosomal protein; plus strand), KIZ-AS1 (KIZ antisense RNA 1; minus strand). Cytogenetic location: 20p11.23.
Variant type: single nucleotide variant.
Coding change: c.1496C>T on transcript NM_018474.6 (MANE Select); coding-DNA position 1496, C replaced by T.
Protein change: p.Ser499Leu; replaces serine 499 with leucine.
Molecular consequence: missense variant.
Genome position (GRCh38, 1-based): chr20:21,214,584, C>T. VCF-style: chr20-21214584-C-T. GRCh37 (hg19) VCF-style: chr20-21195222-C-T.
Other names: c.1187C>T, p.Ser396Leu (NM_001163022.3); c.1097C>T, p.Ser366Leu (NM_001163023.3); c.1349C>T, p.Ser450Leu (NM_001276389.2); c.1442C>T, p.Ser481Leu (NM_001352434.2); c.1133C>T, p.Ser378Leu (NM_001352435.2); c.1154C>T, p.Ser385Leu (NM_001352436.2); short protein forms S385L, S378L, S450L, S481L, S396L, S366L, S499L.
Identifiers: ClinVar variation 2014422 (VCV002014422.1), dbSNP rs1600563989, ClinGen allele CA408490672.